The following is an entry in ClinVar:

NM_152743.4(BRAT1):c.190A>G (p.Lys64Glu)

Gene: BRAT1 (BRCA1 associated ATM activator 1; minus strand). Cytogenetic location: 7p22.3.
Variant type: single nucleotide variant.
Coding change: c.190A>G on transcript NM_152743.4 (MANE Select); coding-DNA position 190, A replaced by G.
Protein change: p.Lys64Glu; replaces lysine 64 with glutamic acid.
Molecular consequence: missense variant. On other transcripts: 5 prime UTR variant (1), non-coding transcript variant (1).
Genome position (GRCh38, 1-based): chr7:2,547,416, T>C on the plus strand (A>G on the coding strand, the complement: BRAT1 is on the minus strand). VCF-style: chr7-2547416-T-C. GRCh37 (hg19) VCF-style: chr7-2587050-T-C.
Other names: c.190A>G, p.Lys64Glu (NM_001350626.2); c.-188A>G (NM_001350627.2); short protein forms K64E.
Identifiers: ClinVar variation 566677 (VCV000566677.8), dbSNP rs1009765969, ClinGen allele CA152676482.

ClinVar aggregate classification (germline): Uncertain significance (1 of 4 stars; one submission).

Conditions:
Neonatal-onset encephalopathy with rigidity and seizures. Also called: Lethal neonatal spasticity-epileptic encephalopathy syndrome. Identifiers: Orphanet 435845, MedGen C3281029, MONDO:0013784, OMIM 614498.

Allele frequency attached by ClinVar (database versions not stated): gnomAD exomes below 0.00001; TOPMed 0.00002; gnomAD 0.00003 and 0.00004.
gnomAD v4.1: 12 of 1,613,944 alleles (0.00074%); highest among the groups gnomAD compares: African/African-American, 0.008%; no homozygotes.

Submission:

Labcorp Genetics (formerly Invitae), Labcorp
Classification: Uncertain significance for Neonatal-onset encephalopathy with rigidity and seizures. Last evaluated: 2021-08-26. Review status: criteria provided, single submitter. Criteria: Invitae Variant Classification Sherloc (09022015). Collection method: clinical testing. Allele origin: germline.
Comment: This sequence change replaces lysine with glutamic acid at codon 64 of the BRAT1 protein (p.Lys64Glu). The lysine residue is moderately conserved and there is a small physicochemical difference between lysine and glutamic acid. This variant is not present in population databases (ExAC no frequency). This variant has not been reported in the literature in individuals affected with BRAT1-related conditions. Algorithms developed to predict the effect of missense changes on protein structure and function (SIFT, PolyPhen-2, Align-GVGD) all suggest that this variant is likely to be tolerated. In summary, the available evidence is currently insufficient to determine the role of this variant in disease. Therefore, it has been classified as a Variant of Uncertain Significance.